The following is an entry in ClinVar:

ClinVar aggregate classification (germline): Pathogenic. Review status: criteria provided, multiple submitters, no conflicts (2 of 4 stars). 2 submissions from 2 submitters: Pathogenic (2). Last evaluated 2026-05-07.

Conditions:
Neurodevelopmental disorder with hypotonia, language delay, and skeletal defects with or without seizures (NEDHLSS). Identifiers: MedGen C5774213, MONDO:0859286, OMIM 620029.

Submissions (2):

Victorian Clinical Genetics Services, Murdoch Childrens Research Institute
Classification: Pathogenic for Neurodevelopmental disorder with hypotonia, language delay, and skeletal defects with or without seizures. Last evaluated: 2026-05-07. Review status: criteria provided, single submitter. Criteria: ACMG Guidelines, 2015. Collection method: clinical testing. Allele origin: germline. Affected: yes.
Comment: This variant is classified as Pathogenic. Evidence in support of pathogenic classification: Variant is predicted to cause nonsense-mediated decay (NMD) and loss of protein (premature termination codon is located at least 54 nucleotides upstream of the final exon-exon junction); Variant is absent from gnomAD (v2, v3 and v4); Other NMD-predicted variants comparable to the one identified in this case have very strong previous evidence for pathogenicity (DECIPHER, PMID: 34163037, VCGS). Additional information: This variant is heterozygous; This gene is associated with autosomal dominant disease; This variant has no previous evidence of pathogenicity; No published evidence of segregation with disease has been identified for this variant; No published functional evidence has been identified for this variant; Loss of function and gain of function are known mechanisms of disease in this gene. Loss-of-function variants are associated with neurodevelopmental disorder with hypotonia, language delay, and skeletal defects with or without seizures (MIM#620029) (PMID: 34163037). Gain-of-function missense variants result in loss of channel inactivation and increased current, and are associated with long QT syndrome 8 (MIM#618447) and Timothy syndrome (MIM#601005, PMID: 25260352); Variants in this gene are known to have variable expressivity. Parents with the same variant as their affected child have been observed to have a less severe phenotype (PMID: 34163037).

CeGaT Center for Human Genetics Tuebingen
Classification: Pathogenic. Last evaluated: 2026-05-01. Review status: criteria provided, single submitter. Criteria: CeGaT Center For Human Genetics Tuebingen Variant Classification Criteria Version 2. Collection method: clinical testing. Allele origin: germline. Affected: yes. Observed: 1 variant allele.
Comment: CACNA1C: PVS1, PM2

Literature cited by the submitters: PubMed 25260352 (cited by Victorian Clinical Genetics Services, Murdoch Childrens Research Institute); PubMed 34163037 (cited by Victorian Clinical Genetics Services, Murdoch Childrens Research Institute).

NM_000719.7(CACNA1C):c.3559C>T (p.Arg1187Ter)

Gene: CACNA1C (calcium voltage-gated channel subunit alpha1 C; plus strand). Cytogenetic location: 12p13.33.
Variant type: single nucleotide variant.
Coding change: c.3559C>T on transcript NM_000719.7 (MANE Select); coding-DNA position 3559, C replaced by T.
Protein change: p.Arg1187Ter; replaces arginine 1187 with a stop codon.
Molecular consequence: nonsense.
Genome position (GRCh38, 1-based): chr12:2,610,541, C>T. VCF-style: chr12-2610541-C-T. GRCh37 (hg19) VCF-style: chr12-2719707-C-T.
Other names: c.3619C>T, p.Arg1207Ter (NM_001129827.2, NM_001129832.2, NM_199460.4); c.3559C>T, p.Arg1187Ter (NM_001129829.2, NM_001129830.3, NM_001129831.2 and 15 more transcripts); c.3550C>T, p.Arg1184Ter (NM_001129844.2); short protein forms R1184*, R1187*, R1207*.
Identifiers: ClinVar variation 4874397 (VCV004874397.3).
Genomic context (GRCh38, chr12:2,610,541, plus strand): 5'-CTCCCCCCACACCCTCCAGTTAACTAACCCCACTCTCCCCATCCTCCACCACCCTCCCAG[C>T]GACAGTGCGTGGAATACGCCCTCAAGGCCCGGCCCCTGCGGAGGTACATCCCCAAGAACC-3'